The following is an entry in ClinVar:

ClinVar aggregate classification (germline): Uncertain significance. Review status: criteria provided, multiple submitters, no conflicts (2 of 4 stars). 2 submissions from 2 submitters: Uncertain significance (2). Last evaluated 2024-12-07.

Conditions:
Inborn genetic diseases. Identifiers: MedGen C0950123, MeSH D030342.

Allele frequency attached by ClinVar (database versions not stated): TOPMed 0.00010; 1000 Genomes Project 30x 0.00031; gnomAD exomes 0.00001; gnomAD 0.00009; ExAC 0.00002; ESP Exome Variant Server 0.00008; 1000 Genomes Project 0.00020.

Submissions (2):

Labcorp Genetics (formerly Invitae), Labcorp
Classification: Uncertain significance. Last evaluated: 2024-12-07. Review status: criteria provided, single submitter. Criteria: Invitae Variant Classification Sherloc (09022015). Collection method: clinical testing. Allele origin: germline.
Comment: This sequence change replaces glutamic acid, which is acidic and polar, with valine, which is neutral and non-polar, at codon 630 of the TCIRG1 protein (p.Glu630Val). This variant is present in population databases (rs367697163, gnomAD 0.02%). This variant has not been reported in the literature in individuals affected with TCIRG1-related conditions. ClinVar contains an entry for this variant (Variation ID: 1494513). An algorithm developed to predict the effect of missense changes on protein structure and function outputs the following: PolyPhen-2: "Benign". The valine amino acid residue is found in multiple mammalian species, which suggests that this missense change does not adversely affect protein function. In summary, the available evidence is currently insufficient to determine the role of this variant in disease. Therefore, it has been classified as a Variant of Uncertain Significance.

Ambry Genetics
Classification: Uncertain significance for Inborn genetic diseases. Last evaluated: 2024-11-07. Review status: criteria provided, single submitter. Criteria: Ambry Variant Classification Scheme 2023. Collection method: clinical testing. Allele origin: germline.

NM_006019.4(TCIRG1):c.1889A>T (p.Glu630Val)

Gene: TCIRG1 (T cell immune regulator 1, ATPase H+ transporting V0 subunit a3; plus strand). Cytogenetic location: 11q13.2.
Variant type: single nucleotide variant.
Coding change: c.1889A>T on transcript NM_006019.4 (MANE Select); coding-DNA position 1889, A replaced by T.
Protein change: p.Glu630Val; replaces glutamic acid 630 with valine.
Molecular consequence: missense variant.
Genome position (GRCh38, 1-based): chr11:68,049,664, A>T. VCF-style: chr11-68049664-A-T. GRCh37 (hg19) VCF-style: chr11-67817131-A-T.
Other names: c.995A>T, p.Glu332Val (NM_001351059.2); c.1241A>T, p.Glu414Val (NM_006053.4); c.1889A>T (NM_006019.3); short protein forms E414V, E332V, E630V.
Identifiers: ClinVar variation 1494513 (VCV001494513.5), dbSNP rs367697163, ClinGen allele CA6147315.
Genomic context (GRCh38, chr11:68,049,664, plus strand): 5'-AGGTTCCTTTGCAGGTGTGCACAGCAGGGACGCCCTGACTCTCGCCCTCTCCCTGGCAGG[A>T]GGTGGTCCAGGCCACGCTGGTGGTCCTGGCCTTGGCCATGGTGCCCATCCTGCTGCTTGG-3'
Protein context (NP_006010.2, residues 620-640): PSNRLLYPRQ[Glu630Val]VVQATLVVLA